The following is an entry in ClinVar:

ClinVar aggregate classification (germline): Uncertain significance (1 of 4 stars; one submission).

Conditions:
CDH13-related disorder. Also called: CDH13-related condition.

Submission:

PreventionGenetics, part of Exact Sciences
Classification: Uncertain significance for CDH13-related condition. Last evaluated: 2023-06-16. Review status: criteria provided, single submitter. Criteria: ACMG Guidelines, 2015. Collection method: clinical testing. Allele origin: germline.
Comment: The CDH13 c.414delC variant is predicted to result in a frameshift and premature protein termination (p.Thr140Leufs*18). To our knowledge, this variant has not been reported in the literature or in a large population database, indicating this variant is rare. Of note, loss of function variants have not commonly been reported in the CDH13 gene. At this time, the clinical significance of this variant is uncertain due to the absence of conclusive functional and genetic evidence.

NM_001257.5(CDH13):c.273del (p.Thr93fs)

Gene: CDH13 (cadherin 13; plus strand). Cytogenetic location: 16q23.3.
Variant type: Deletion.
Coding change: c.273del on transcript NM_001257.5 (MANE Select); coding-DNA position 273, one base deleted (C; older notation c.273delC).
Protein change: p.Thr93fs; shifts the reading frame from threonine 93.
Molecular consequence: frameshift variant. On other transcripts: intron variant (1).
Genome position (GRCh38, 1-based): chr16:83,032,125, C deleted. VCF-style (leftmost placement, unchanged base first): chr16-83032124-GC-G. GRCh37 (hg19) VCF-style: chr16-83065729-GC-G.
Other names: c.414del, p.Thr140fs (NM_001220488.2); c.273del, p.Thr93fs (NM_001220489.2, NM_001220491.2, NM_001220492.2); c.-396-93260del (NM_001220490.2); short protein forms T140fs, T93fs.
Identifiers: ClinVar variation 2632383 (VCV002632383.1), dbSNP rs2507332983, ClinGen allele CA2695197688.